The following is an entry in ClinVar:

ClinVar aggregate classification (germline): Likely benign. Review status: criteria provided, single submitter (1 of 4 stars). 4 submissions from 4 submitters: Likely benign (1). 3 of the submissions do not count toward it. Last evaluated 2026-01-26.

Conditions:
AK2-related disorder. Also called: AK2-related condition.
Reticular dysgenesis. Also called: ALEUKOCYTOSIS; CONGENITAL ALEUKIA; HEMATOPOIETIC HYPOPLASIA, GENERALIZED; RETICULAR DYSGENESIA; SEVERE COMBINED IMMUNODEFICIENCY WITH LEUKOPENIA; DeVaal disease. Identifiers: Orphanet 33355, MedGen C0272167, MONDO:0009973, OMIM 267500.

Allele frequency attached by ClinVar (database versions not stated): gnomAD 0.00003 and 0.00016; TOPMed 0.00004; gnomAD exomes 0.00025 and 0.00056; 1000 Genomes Project 0.00060; 1000 Genomes Project 30x 0.00094; ExAC 0.00138.
gnomAD v4.1: 385 of 1,596,510 alleles (0.024%); highest among the groups gnomAD compares: South Asian, 0.41%; 5 homozygotes.

Submissions (4):

Labcorp Genetics (formerly Invitae), Labcorp
Classification: Likely benign for Reticular dysgenesis. Last evaluated: 2026-01-26. Review status: criteria provided, single submitter. Criteria: Invitae Variant Classification Sherloc (09022015). Collection method: clinical testing. Allele origin: germline.

PreventionGenetics, part of Exact Sciences
Classification: Likely benign for AK2-related condition. Last evaluated: 2022-04-13. Review status: no assertion criteria provided. Collection method: clinical testing. Allele origin: germline. Not counted in ClinVar's aggregate classification.
Comment: This variant is classified as likely benign based on ACMG/AMP sequence variant interpretation guidelines (Richards et al. 2015 PMID: 25741868, with internal and published modifications).

Clinical Genetics DNA and cytogenetics Diagnostics Lab, Erasmus MC, Erasmus Medical Center
Classification: Likely benign. Review status: no assertion criteria provided. Collection method: clinical testing. Allele origin: germline. Affected: yes. Study: VKGL Data-share Consensus. Not counted in ClinVar's aggregate classification.

Laboratory of Diagnostic Genome Analysis, Leiden University Medical Center (LUMC)
Classification: Likely benign. Review status: no assertion criteria provided. Collection method: clinical testing. Allele origin: germline. Affected: yes. Study: VKGL Data-share Consensus. Not counted in ClinVar's aggregate classification.

NM_001625.4(AK2):c.25G>A (p.Glu9Lys)

Genes: AK2 (adenylate kinase 2; minus strand), LOC129930068 (ATAC-STARR-seq lymphoblastoid active region 705; plus strand). Cytogenetic location: 1p35.1.
Variant type: single nucleotide variant.
Coding change: c.25G>A on transcript NM_001625.4 (MANE Select); coding-DNA position 25, G replaced by A.
Protein change: p.Glu9Lys; replaces glutamic acid 9 with lysine.
Molecular consequence: missense variant. On other transcripts: 5 prime UTR variant (2), non-coding transcript variant (1).
Genome position (GRCh38, 1-based): chr1:33,036,804, C>T on the plus strand (G>A on the coding strand, the complement: AK2 is on the minus strand). VCF-style: chr1-33036804-C-T. GRCh37 (hg19) VCF-style: chr1-33502405-C-T.
Other names: c.25G>A, p.Glu9Lys (NM_001199199.3, NM_001319141.3, NM_001319142.3 and 2 more transcripts); c.-238G>A (NM_001319139.3, NM_001319140.2); short protein forms E9K.
Identifiers: ClinVar variation 737934 (VCV000737934.15), dbSNP rs267606647, ClinGen allele CA747290.